The following is an entry in ClinVar:

ClinVar aggregate classification (germline): Uncertain significance (1 of 4 stars; one submission).

Conditions:
Hereditary cancer-predisposing syndrome. Also called: Tumor predisposition; Hereditary Cancer Syndrome; Hereditary neoplastic syndrome; Neoplastic Syndromes, Hereditary. Identifiers: Orphanet 140162, MedGen C0027672, MeSH D009386, MONDO:0015356.

Submission:

Ambry Genetics
Classification: Uncertain significance for Hereditary cancer-predisposing syndrome. Last evaluated: 2024-06-09. Review status: criteria provided, single submitter. Criteria: Ambry Variant Classification Scheme 2023. Collection method: clinical testing. Allele origin: germline.
Comment: The p.A462V variant (also known as c.1385C>T), located in coding exon 9 of the MEN1 gene, results from a C to T substitution at nucleotide position 1385. The alanine at codon 462 is replaced by valine, an amino acid with similar properties. This amino acid position is conserved. In addition, this alteration is predicted to be tolerated by in silico analysis. Based on the available evidence, the clinical significance of this variant remains unclear.

NM_001370259.2(MEN1):c.1385C>T (p.Ala462Val)

Gene: MEN1 (menin 1; minus strand). Cytogenetic location: 11q13.1.
Variant type: single nucleotide variant.
Coding change: c.1385C>T on transcript NM_001370259.2 (MANE Select); coding-DNA position 1385, C replaced by T.
Protein change: p.Ala462Val; replaces alanine 462 with valine.
Molecular consequence: missense variant. On other transcripts: non-coding transcript variant (4).
Genome position (GRCh38, 1-based): chr11:64,804,782, G>A on the plus strand (C>T on the coding strand, the complement: MEN1 is on the minus strand). VCF-style: chr11-64804782-G-A. GRCh37 (hg19) VCF-style: chr11-64572254-G-A.
Other names: c.1400C>T, p.Ala467Val (NM_000244.4, NM_001407145.1, NM_130800.3 and 4 more transcripts); c.1511C>T, p.Ala504Val (NM_001370251.2, NM_001407142.1, NM_001407143.1 and 1 more transcripts); c.1385C>T, p.Ala462Val (NM_001370260.2, NM_001370261.2, NM_001407146.1 and 2 more transcripts); c.1280C>T, p.Ala427Val (NM_001370262.2, NM_001370263.2, NM_001407148.1 and 1 more transcripts); c.1526C>T, p.Ala509Val (NM_001407150.1); c.1406C>T, p.Ala469Val (NM_001407151.1); c.1220C>T, p.Ala407Val (NM_001407152.1); short protein forms A462V, A467V, A469V, A407V, A504V, A427V, A509V.
Identifiers: ClinVar variation 3294199 (VCV003294199.1).